The following is an entry in ClinVar:

ClinVar aggregate classification (germline): Uncertain significance (1 of 4 stars; one submission).

gnomAD v4.1: 13 of 1,614,052 alleles (0.00081%); highest among the groups gnomAD compares: Non-Finnish European, 0.00093%; no homozygotes.

Submission:

Labcorp Genetics (formerly Invitae), Labcorp
Classification: Uncertain significance. Last evaluated: 2025-05-01. Review status: criteria provided, single submitter. Criteria: Invitae Variant Classification Sherloc (09022015). Collection method: clinical testing. Allele origin: germline.
Comment: This sequence change replaces asparagine, which is neutral and polar, with serine, which is neutral and polar, at codon 288 of the PHF21A protein (p.Asn288Ser). This variant is present in population databases (no rsID available, gnomAD 0.002%). This variant has not been reported in the literature in individuals affected with PHF21A-related conditions. Invitae Evidence Modeling of protein sequence and biophysical properties (such as structural, functional, and spatial information, amino acid conservation, physicochemical variation, residue mobility, and thermodynamic stability) indicates that this missense variant is not expected to disrupt PHF21A protein function with a negative predictive value of 80%. In summary, the available evidence is currently insufficient to determine the role of this variant in disease. Therefore, it has been classified as a Variant of Uncertain Significance.

NM_001352027.3(PHF21A):c.866A>G (p.Asn289Ser)

Gene: PHF21A (PHD finger protein 21A; minus strand). Cytogenetic location: 11p11.2.
Variant type: single nucleotide variant.
Coding change: c.866A>G on transcript NM_001352027.3 (MANE Select); coding-DNA position 866, A replaced by G.
Protein change: p.Asn289Ser; replaces asparagine 289 with serine.
Molecular consequence: missense variant. On other transcripts: non-coding transcript variant (2).
Genome position (GRCh38, 1-based): chr11:45,965,445, T>C on the plus strand (A>G on the coding strand, the complement: PHF21A is on the minus strand). VCF-style: chr11-45965445-T-C. GRCh37 (hg19) VCF-style: chr11-45986996-T-C.
Other names: c.863A>G, p.Asn288Ser (NM_001101802.3, NM_001352030.3, NM_001352031.3 and 2 more transcripts); c.866A>G, p.Asn289Ser (NM_001352025.3, NM_001352026.3, NM_001352028.1 and 3 more transcripts); c.887A>G, p.Asn296Ser (NM_001441167.1, NM_001441168.1); c.884A>G, p.Asn295Ser (NM_001441169.1); c.614A>G, p.Asn205Ser (NM_001441172.1); short protein forms N205S, N288S, N289S, N295S, N296S.
Identifiers: ClinVar variation 4798326 (VCV004798326.1).